The following is an entry in ClinVar:

NM_144997.7(FLCN):c.240del (p.Asp80fs)

Gene: FLCN (folliculin; minus strand). Cytogenetic location: 17p11.2.
Variant type: Deletion.
Coding change: c.240del on transcript NM_144997.7 (MANE Select); coding-DNA position 240, one base deleted (C; older notation c.240delC).
Protein change: p.Asp80fs; shifts the reading frame from aspartic acid 80.
Molecular consequence: frameshift variant.
Genome position (GRCh38, 1-based): chr17:17,227,898, G deleted on the plus strand (C on the coding strand, the reverse complement: FLCN is on the minus strand). VCF-style (leftmost placement, unchanged base first): chr17-17227897-TG-T. GRCh37 (hg19) VCF-style: chr17-17131211-TG-T.
Other names: c.240del, p.Asp80fs (NM_001353229.2, NM_001353230.2, NM_001353231.2 and 1 more transcripts); short protein forms D80fs.
Identifiers: ClinVar variation 4857012 (VCV004857012.1).

ClinVar aggregate classification (germline): Pathogenic (1 of 4 stars; one submission).

Conditions:
Multiple monogenic benign skin tumours.

Submission:

Genetics Laboratory, Great Ormond Street Hospital NHS Foundation Trust, North Thames Genomic Laboratory Hub
Classification: Pathogenic for Multiple monogenic benign skin tumours. Last evaluated: 2026-04-28. Review status: criteria provided, single submitter. Criteria: ACGS Best Practice Guidelines for Variant Classification in Rare Disease 2024 v1.2. Collection method: clinical testing. Allele origin: germline. Affected: yes.
Comment: PM2_moderate, PVS1_very-strong